The following is an entry in ClinVar:

NM_080680.3(COL11A2):c.4751-3C>T

Gene: COL11A2 (collagen type XI alpha 2 chain; minus strand). Cytogenetic location: 6p21.32.
Variant type: single nucleotide variant.
Coding change: c.4751-3C>T on transcript NM_080680.3 (MANE Select); 3 bases into the intron before coding-DNA position 4751, C replaced by T.
Molecular consequence: intron variant.
Genome position (GRCh38, 1-based): chr6:33,164,967, G>A on the plus strand (C>T on the coding strand, the complement: COL11A2 is on the minus strand). VCF-style: chr6-33164967-G-A. GRCh37 (hg19) VCF-style: chr6-33132744-G-A.
Other names: c.3725-3C>T (NM_001424111.1, NM_001424110.1); c.4430-3C>T (NM_080679.3); c.4493-3C>T (NM_080681.3); c.4571-3C>T (NM_001424108.1); c.3905-3C>T (NM_001424109.1); c.2705-3C>T (NM_001424112.1).
Identifiers: ClinVar variation 4737374 (VCV004737374.1).
Genomic context (GRCh38, chr6:33,164,967, plus strand): 5'-CAGAAAACTCGGAAGGCATCCCGAGCACAGCCCTGGTTGGGGTCGACCCAGTACTCTCCT[G>A]TTGGGTGAGGGAGAGGGGAGGTCAGGGCCACCTAGGTCCAGGCTCCAAGATGCTCTTTGC-3'

ClinVar aggregate classification (germline): Uncertain significance (1 of 4 stars; one submission).

gnomAD v4.1: 1 of 1,567,130 alleles (0.000064%); highest among the groups gnomAD compares: Non-Finnish European, 0.000087%; no homozygotes.

Submission:

Labcorp Genetics (formerly Invitae), Labcorp
Classification: Uncertain significance. Last evaluated: 2025-04-09. Review status: criteria provided, single submitter. Criteria: Invitae Variant Classification Sherloc (09022015). Collection method: clinical testing. Allele origin: germline.
Comment: This sequence change falls in intron 63 of the COL11A2 gene. It does not directly change the encoded amino acid sequence of the COL11A2 protein. It affects a nucleotide within the consensus splice site. This variant is not present in population databases (gnomAD no frequency). This variant has not been reported in the literature in individuals affected with COL11A2-related conditions. Variants that disrupt the consensus splice site are a relatively common cause of aberrant splicing (PMID: 17576681, 9536098). Algorithms developed to predict the effect of sequence changes on RNA splicing suggest that this variant is not likely to affect RNA splicing. In summary, the available evidence is currently insufficient to determine the role of this variant in disease. Therefore, it has been classified as a Variant of Uncertain Significance.

Literature cited by the submitters: PubMed 17576681; PubMed 9536098.